The following is an entry in ClinVar:

ClinVar aggregate classification (germline): Uncertain significance (1 of 4 stars; one submission).

Allele frequency attached by ClinVar (database versions not stated): gnomAD exomes below 0.00001; gnomAD 0.00001.
gnomAD v4.1: 2 of 1,611,212 alleles (0.00012%); highest among the groups gnomAD compares: Non-Finnish European, 0.00017%; no homozygotes.

Submission:

GeneDx
Classification: Uncertain significance. Last evaluated: 2022-02-01. Review status: criteria provided, single submitter. Criteria: GeneDx Variant Classification Process June 2021. Collection method: clinical testing. Allele origin: germline. Affected: yes.
Comment: Not observed at significant frequency in large population cohorts (gnomAD); In silico analysis supports that this missense variant does not alter protein structure/function; Has not been previously published as pathogenic or benign to our knowledge

NM_004370.6(COL12A1):c.4672A>G (p.Thr1558Ala)

Gene: COL12A1 (collagen type XII alpha 1 chain; minus strand). Cytogenetic location: 6q13.
Variant type: single nucleotide variant.
Coding change: c.4672A>G on transcript NM_004370.6 (MANE Select); coding-DNA position 4672, A replaced by G.
Protein change: p.Thr1558Ala; replaces threonine 1558 with alanine.
Molecular consequence: missense variant.
Genome position (GRCh38, 1-based): chr6:75,145,344, T>C on the plus strand (A>G on the coding strand, the complement: COL12A1 is on the minus strand). VCF-style: chr6-75145344-T-C. GRCh37 (hg19) VCF-style: chr6-75855060-T-C.
Other names: c.1180A>G, p.Thr394Ala (NM_080645.3); short protein forms T1558A, T394A.
Identifiers: ClinVar variation 1700331 (VCV001700331.2), dbSNP rs1217151970, ClinGen allele CA364742803.